The following is an entry in ClinVar:

NM_024408.4(NOTCH2):c.1242A>T (p.Glu414Asp)

Gene: NOTCH2 (notch receptor 2; minus strand). Cytogenetic location: 1p12.
Variant type: single nucleotide variant.
Coding change: c.1242A>T on transcript NM_024408.4 (MANE Select); coding-DNA position 1242, A replaced by T.
Protein change: p.Glu414Asp; replaces glutamic acid 414 with aspartic acid.
Molecular consequence: missense variant.
Genome position (GRCh38, 1-based): chr1:119,968,099, T>A on the plus strand (A>T on the coding strand, the complement: NOTCH2 is on the minus strand). VCF-style: chr1-119968099-T-A. GRCh37 (hg19) VCF-style: chr1-120510722-T-A.
Other names: c.1242A>T, p.Glu414Asp (NM_001200001.2); short protein forms E414D.
Identifiers: ClinVar variation 4759623 (VCV004759623.1).

ClinVar aggregate classification (germline): Uncertain significance (1 of 4 stars; one submission).

Conditions:
Hajdu-Cheney syndrome (HJCYS). Also called: SERPENTINE FIBULA-POLYCYSTIC KIDNEY SYNDROME; Acroosteolysis dominant type; ACROOSTEOLYSIS WITH OSTEOPOROSIS AND CHANGES IN SKULL AND MANDIBLE. Identifiers: Orphanet 955, MedGen C0917715, MONDO:0007057, OMIM 102500.

Submission:

Labcorp Genetics (formerly Invitae), Labcorp
Classification: Uncertain significance for Hajdu-Cheney syndrome. Last evaluated: 2025-01-31. Review status: criteria provided, single submitter. Criteria: Invitae Variant Classification Sherloc (09022015). Collection method: clinical testing. Allele origin: germline.
Comment: This sequence change replaces glutamic acid, which is acidic and polar, with aspartic acid, which is acidic and polar, at codon 414 of the NOTCH2 protein (p.Glu414Asp). This variant is not present in population databases (gnomAD no frequency). This variant has not been reported in the literature in individuals affected with NOTCH2-related conditions. Invitae Evidence Modeling of protein sequence and biophysical properties (such as structural, functional, and spatial information, amino acid conservation, physicochemical variation, residue mobility, and thermodynamic stability) indicates that this missense variant is not expected to disrupt NOTCH2 protein function with a negative predictive value of 80%. In summary, the available evidence is currently insufficient to determine the role of this variant in disease. Therefore, it has been classified as a Variant of Uncertain Significance.